The following is an entry in ClinVar:

NM_000020.3(ACVRL1):c.548C>A (p.Thr183Asn)

Gene: ACVRL1 (activin A receptor like type 1; plus strand). Cytogenetic location: 12q13.13.
Variant type: single nucleotide variant.
Coding change: c.548C>A on transcript NM_000020.3 (MANE Select); coding-DNA position 548, C replaced by A.
Protein change: p.Thr183Asn; replaces threonine 183 with asparagine.
Molecular consequence: missense variant. On other transcripts: intron variant (6).
Genome position (GRCh38, 1-based): chr12:51,913,996, C>A. VCF-style: chr12-51913996-C-A. GRCh37 (hg19) VCF-style: chr12-52307780-C-A.
Other names: c.548C>A, p.Thr183Asn (NM_001077401.2, NM_001406487.1, NM_001406488.1 and 1 more transcripts); c.314-443C>A (NM_001406491.1, NM_001406490.1, NM_001406492.1 and 2 more transcripts); c.62-443C>A (NM_001406495.1); short protein forms T183N.
Identifiers: ClinVar variation 2643008 (VCV002643008.24), dbSNP rs146367891, ClinGen allele CA384899561.

ClinVar aggregate classification (germline): Uncertain significance (1 of 4 stars; one submission).

Allele frequency attached by ClinVar (database versions not stated): TOPMed below 0.00001.
gnomAD v4.1: 1 of 1,613,742 alleles (0.000062%); highest among the groups gnomAD compares: African/African-American, 0.0013%; no homozygotes.

Submission:

CeGaT Center for Human Genetics Tuebingen
Classification: Uncertain significance. Last evaluated: 2022-10-01. Review status: criteria provided, single submitter. Criteria: CeGaT Center For Human Genetics Tuebingen Variant Classification Criteria Version 2. Collection method: clinical testing. Allele origin: germline. Affected: yes. Observed: 1 variant allele.
Comment: ACVRL1: PM2